The following is an entry in ClinVar:

ClinVar aggregate classification (germline): Uncertain significance (1 of 4 stars; one submission).

Allele frequency attached by ClinVar (database versions not stated): gnomAD exomes 0.00001 and 0.00004.
gnomAD v4.1: 51 of 1,614,052 alleles (0.0032%); highest among the groups gnomAD compares: Non-Finnish European, 0.0042%; no homozygotes.

Submission:

Labcorp Genetics (formerly Invitae), Labcorp
Classification: Uncertain significance. Last evaluated: 2021-09-24. Review status: criteria provided, single submitter. Criteria: Invitae Variant Classification Sherloc (09022015). Collection method: clinical testing. Allele origin: germline.
Comment: This sequence change replaces glycine with aspartic acid at codon 1495 of the LTBP2 protein (p.Gly1495Asp). The glycine residue is highly conserved and there is a moderate physicochemical difference between glycine and aspartic acid. This variant is not present in population databases (ExAC no frequency). This variant has not been reported in the literature in individuals affected with LTBP2-related conditions. Algorithms developed to predict the effect of missense changes on protein structure and function output the following: SIFT: "Deleterious"; PolyPhen-2: "Benign"; Align-GVGD: "Class C15". The aspartic acid amino acid residue is found in multiple mammalian species, which suggests that this missense change does not adversely affect protein function. In summary, the available evidence is currently insufficient to determine the role of this variant in disease. Therefore, it has been classified as a Variant of Uncertain Significance.

NM_000428.3(LTBP2):c.4484G>A (p.Gly1495Asp)

Gene: LTBP2 (latent transforming growth factor beta binding protein 2; minus strand). Cytogenetic location: 14q24.3.
Variant type: single nucleotide variant.
Coding change: c.4484G>A on transcript NM_000428.3 (MANE Select); coding-DNA position 4484, G replaced by A.
Protein change: p.Gly1495Asp; replaces glycine 1495 with aspartic acid.
Molecular consequence: missense variant.
Genome position (GRCh38, 1-based): chr14:74,504,024, C>T on the plus strand (G>A on the coding strand, the complement: LTBP2 is on the minus strand). VCF-style: chr14-74504024-C-T. GRCh37 (hg19) VCF-style: chr14-74970727-C-T.
Other names: short protein forms G1495D.
Identifiers: ClinVar variation 1404838 (VCV001404838.5), dbSNP rs1456873726, ClinGen allele CA390385495.